The following is an entry in ClinVar:

ClinVar aggregate classification (germline): Benign (0 of 4 stars; one submission).

Conditions:
XIRP2-related disorder. Also called: XIRP2-related condition.

Allele frequency attached by ClinVar (database versions not stated): gnomAD exomes 0.00492; ExAC 0.01225; ESP Exome Variant Server 0.01366; gnomAD 0.01844; TOPMed 0.02123; 1000 Genomes Project 0.02476; 1000 Genomes Project 30x 0.02530.
gnomAD v4.1: 10,154 of 1,613,666 alleles (0.63%); highest among the groups gnomAD compares: African/African-American, 4.7%; 200 homozygotes.

Submission:

PreventionGenetics, part of Exact Sciences
Classification: Benign for XIRP2-related condition. Last evaluated: 2019-02-19. Review status: no assertion criteria provided. Collection method: clinical testing. Allele origin: germline.
Comment: This variant is classified as benign based on ACMG/AMP sequence variant interpretation guidelines (Richards et al. 2015 PMID: 25741868, with internal and published modifications).

NM_152381.6(XIRP2):c.3003A>G (p.Val1001=)

Gene: XIRP2 (xin actin binding repeat containing 2; plus strand). Cytogenetic location: 2q24.3.
Variant type: single nucleotide variant.
Coding change: c.3003A>G on transcript NM_152381.6 (MANE Select); coding-DNA position 3003, A replaced by G.
Protein change: p.Val1001=; no amino-acid change (valine 1001 retained).
Molecular consequence: synonymous variant. On other transcripts: intron variant (3).
Genome position (GRCh38, 1-based): chr2:167,244,395, A>G. VCF-style: chr2-167244395-A-G. GRCh37 (hg19) VCF-style: chr2-168100905-A-G.
Other names: c.2337A>G, p.Val779= (NM_001199144.2); c.1275+2485A>G (NM_001199143.2); c.1176+2485A>G (NM_001079810.4); c.510+2485A>G (NM_001199145.2).
Identifiers: ClinVar variation 3056115 (VCV003056115.2), dbSNP rs61733879, ClinGen allele CA1946766.